The following is an entry in ClinVar:

ClinVar aggregate classification (germline): Uncertain significance (1 of 4 stars; one submission).

Allele frequency attached by ClinVar (database versions not stated): gnomAD exomes 0.00001.
gnomAD v4.1: 5 of 1,612,792 alleles (0.00031%); highest among the groups gnomAD compares: Non-Finnish European, 0.00042%; no homozygotes.

Submission:

Labcorp Genetics (formerly Invitae), Labcorp
Classification: Uncertain significance. Last evaluated: 2025-03-17. Review status: criteria provided, single submitter. Criteria: Invitae Variant Classification Sherloc (09022015). Collection method: clinical testing. Allele origin: germline.
Comment: This sequence change replaces proline, which is neutral and non-polar, with leucine, which is neutral and non-polar, at codon 124 of the IL12RB2 protein (p.Pro124Leu). This variant is not present in population databases (gnomAD no frequency). This variant has not been reported in the literature in individuals affected with IL12RB2-related conditions. ClinVar contains an entry for this variant (Variation ID: 1952989). An algorithm developed to predict the effect of missense changes on protein structure and function (PolyPhen-2) suggests that this variant is likely to be disruptive. Algorithms developed to predict the effect of sequence changes on RNA splicing suggest that this variant may disrupt the consensus splice site. In summary, the available evidence is currently insufficient to determine the role of this variant in disease. Therefore, it has been classified as a Variant of Uncertain Significance.

NM_001374259.2(IL12RB2):c.371C>T (p.Pro124Leu)

Gene: IL12RB2 (interleukin 12 receptor subunit beta 2; plus strand). Cytogenetic location: 1p31.3.
Variant type: single nucleotide variant.
Coding change: c.371C>T on transcript NM_001374259.2 (MANE Select); coding-DNA position 371, C replaced by T.
Protein change: p.Pro124Leu; replaces proline 124 with leucine.
Molecular consequence: missense variant. On other transcripts: non-coding transcript variant (2).
Genome position (GRCh38, 1-based): chr1:67,326,741, C>T. VCF-style: chr1-67326741-C-T. GRCh37 (hg19) VCF-style: chr1-67792424-C-T.
Other names: c.371C>T, p.Pro124Leu (NM_001258214.1, NM_001258215.1, NM_001258216.1 and 2 more transcripts); short protein forms P124L.
Identifiers: ClinVar variation 1952989 (VCV001952989.5), dbSNP rs2525899155, ClinGen allele CA340731651.